The following is an entry in ClinVar:

ClinVar aggregate classification (germline): Uncertain significance (1 of 4 stars; one submission).

Conditions:
Hereditary thrombocytopenia and hematological cancer predisposition syndrome associated with RUNX1. Also called: Familial Platelet Disorder with Propensity to Acute Myelogenous Leukemia; Familial thrombocytopenia with propensity to acute myelogenous leukemia; RUNX1 Familial Platelet Disorder with Associated Myeloid Malignancies; PLATELET DISORDER, ASPIRIN-LIKE. Identifiers: Orphanet 71290, MedGen C1832388, MeSH C563324, MONDO:0100083, OMIM 601399.

Submission:

Labcorp Genetics (formerly Invitae), Labcorp
Classification: Uncertain significance for Hereditary thrombocytopenia and hematological cancer predisposition syndrome associated with RUNX1. Last evaluated: 2017-11-03. Review status: criteria provided, single submitter. Criteria: Invitae Variant Classification Sherloc (09022015). Collection method: clinical testing. Allele origin: germline.
Comment: This variant is a gross duplication of the genomic region encompassing exons 6-9 of the RUNX1 gene. The 5' boundary is likely confined to intron 5. The 3' end of this event is unknown as it extends beyond the assayed region for this gene and therefore may encompass additional genes. The exact location of this variant in the genome is unknown. Gross deletion of exons 6-9 has not been reported in the literature in individuals with RUNX1-related disease. In summary, the available evidence is currently insufficient to determine the role of this variant in disease. Therefore, it has been classified as a Variant of Uncertain Significance.

NC_000021.8:g.(?_36164426)_(36231881_?)dup

Genes: RUNX1 (RUNX family transcription factor 1; minus strand), RUNX1-AS1 (RUNX1 antisense RNA 1; plus strand), LOC126653354 (MED14-independent group 3 enhancer GRCh37_chr21:36208094-36209293; plus strand), LOC109648316 (RUNX1 element RE2; plus strand). Cytogenetic location: 21q22.12.
Variant type: Duplication.
Identifiers: ClinVar variation 532689 (VCV000532689.1).